The following is an entry in ClinVar:

NM_001165963.4(SCN1A):c.2579C>A (p.Ser860Ter)

Gene: SCN1A (sodium voltage-gated channel alpha subunit 1; minus strand). Cytogenetic location: 2q24.3.
Variant type: single nucleotide variant.
Coding change: c.2579C>A on transcript NM_001165963.4 (MANE Select); coding-DNA position 2579, C replaced by A.
Protein change: p.Ser860Ter; replaces serine 860 with a stop codon.
Molecular consequence: nonsense. On other transcripts: non-coding transcript variant (1).
Genome position (GRCh38, 1-based): chr2:166,039,433, G>T on the plus strand (C>A on the coding strand, the complement: SCN1A is on the minus strand). VCF-style: chr2-166039433-G-T. GRCh37 (hg19) VCF-style: chr2-166895943-G-T.
Other names: c.2495C>A, p.Ser832Ter (NM_001165964.3, NM_001353957.2, NM_001353958.2); c.2579C>A, p.Ser860Ter (NM_001202435.3, NM_001353948.2); c.2546C>A, p.Ser849Ter (NM_001353949.2, NM_001353950.2, NM_001353951.2 and 2 more transcripts); c.2543C>A, p.Ser848Ter (NM_001353954.2, NM_001353955.2); c.2492C>A, p.Ser831Ter (NM_001353960.2); c.137C>A, p.Ser46Ter (NM_001353961.2); short protein forms S46*, S831*, S832*, S849*, S860*, S848*.
Identifiers: ClinVar variation 660812 (VCV000660812.8), dbSNP rs1574192005, ClinGen allele CA349062341.

ClinVar aggregate classification (germline): Pathogenic. Review status: criteria provided, multiple submitters, no conflicts (2 of 4 stars). 2 submissions from 2 submitters: Pathogenic (2). Last evaluated 2022-09-01.

Conditions:
Seizure. Also called: Seizures. Identifiers: MedGen C0036572, HP:0001250.
Early-infantile DEE. Also called: Early infantile epileptic encephalopathy; Ohtahara syndrome; Early infantile epileptic encephalopathy with suppression bursts. Identifiers: Orphanet 1934, MedGen C0393706, MONDO:0800491.

Submissions (2):

Labcorp Genetics (formerly Invitae), Labcorp
Classification: Pathogenic for Early-infantile DEE. Last evaluated: 2022-09-01. Review status: criteria provided, single submitter. Criteria: Invitae Variant Classification Sherloc (09022015). Collection method: clinical testing. Allele origin: germline.
Comment: This sequence change creates a premature translational stop signal (p.Ser860*) in the SCN1A gene. It is expected to result in an absent or disrupted protein product. Loss-of-function variants in SCN1A are known to be pathogenic (PMID: 17347258, 18930999). This variant is not present in population databases (gnomAD no frequency). This variant has not been reported in the literature in individuals affected with SCN1A-related conditions. ClinVar contains an entry for this variant (Variation ID: 660812). For these reasons, this variant has been classified as Pathogenic.

Human Genetics Bochum, Ruhr University Bochum
Classification: Pathogenic for Seizure. Last evaluated: 2022-08-12. Review status: criteria provided, single submitter. Criteria: ACMG Guidelines, 2015. Collection method: clinical testing. Allele origin: germline. Affected: yes.
Comment: ACMG criteria used to clasify this variant: PVS1, PS4_SUP, PM2_SUP

Literature cited by the submitters: PubMed 17347258 (cited by Labcorp Genetics (formerly Invitae), Labcorp); PubMed 18930999 (cited by Labcorp Genetics (formerly Invitae), Labcorp).